The following is an entry in ClinVar:

ClinVar aggregate classification (germline): Uncertain significance. Review status: criteria provided, multiple submitters, no conflicts (2 of 4 stars). 3 submissions from 3 submitters: Uncertain significance (2). 1 of the submissions does not count toward it. Last evaluated 2025-08-10.

Conditions:
SLC44A4-related disorder. Also called: SLC44A4-related condition.

Allele frequency attached by ClinVar (database versions not stated): gnomAD exomes 0.00005; ExAC 0.00007; 1000 Genomes Project 30x 0.00016; gnomAD 0.00019; 1000 Genomes Project 0.00020; TOPMed 0.00027; ESP Exome Variant Server 0.00031.
gnomAD v4.1: 102 of 1,614,094 alleles (0.0063%); highest among the groups gnomAD compares: African/African-American, 0.059%; no homozygotes.

Submissions (3):

Labcorp Genetics (formerly Invitae), Labcorp
Classification: Uncertain significance. Last evaluated: 2025-08-10. Review status: criteria provided, single submitter. Criteria: Invitae Variant Classification Sherloc (09022015). Collection method: clinical testing. Allele origin: germline.
Comment: This sequence change replaces arginine, which is basic and polar, with glutamine, which is neutral and polar, at codon 215 of the SLC44A4 protein (p.Arg215Gln). This variant is present in population databases (rs150135669, gnomAD 0.03%). This variant has not been reported in the literature in individuals affected with SLC44A4-related conditions. ClinVar contains an entry for this variant (Variation ID: 2413609). Invitae Evidence Modeling of protein sequence and biophysical properties (such as structural, functional, and spatial information, amino acid conservation, physicochemical variation, residue mobility, and thermodynamic stability) indicates that this missense variant is not expected to disrupt SLC44A4 protein function with a negative predictive value of 80%. In summary, the available evidence is currently insufficient to determine the role of this variant in disease. Therefore, it has been classified as a Variant of Uncertain Significance.

Ambry Genetics
Classification: Uncertain significance. Last evaluated: 2024-06-28. Review status: criteria provided, single submitter. Criteria: Ambry Variant Classification Scheme 2023. Collection method: clinical testing. Allele origin: germline.

PreventionGenetics, part of Exact Sciences
Classification: Uncertain significance for SLC44A4-related condition. Last evaluated: 2024-07-23. Review status: no assertion criteria provided. Collection method: clinical testing. Allele origin: germline. Not counted in ClinVar's aggregate classification.
Comment: The SLC44A4 c.644G>A variant is predicted to result in the amino acid substitution p.Arg215Gln. To our knowledge, this variant has not been reported in the literature. This variant is reported in 0.036% of alleles in individuals of African descent in gnomAD. Although we suspect that this variant may be benign, at this time, the clinical significance of this variant is uncertain due to the absence of conclusive functional and genetic evidence.

NM_025257.3(SLC44A4):c.644G>A (p.Arg215Gln)

Gene: SLC44A4 (solute carrier family 44 member 4; minus strand). Cytogenetic location: 6p21.33.
Variant type: single nucleotide variant.
Coding change: c.644G>A on transcript NM_025257.3 (MANE Select); coding-DNA position 644, G replaced by A.
Protein change: p.Arg215Gln; replaces arginine 215 with glutamine.
Molecular consequence: missense variant.
Genome position (GRCh38, 1-based): chr6:31,871,371, C>T on the plus strand (G>A on the coding strand, the complement: SLC44A4 is on the minus strand). VCF-style: chr6-31871371-C-T. GRCh37 (hg19) VCF-style: chr6-31839148-C-T.
Other names: c.518G>A, p.Arg173Gln (NM_001178044.2); c.416G>A, p.Arg139Gln (NM_001178045.2); c.644G>A, p.Arg215Gln (NM_032794.1); c.644G>A (NM_025257.2); short protein forms R139Q, R173Q, R215Q.
Identifiers: ClinVar variation 2413609 (VCV002413609.8), dbSNP rs150135669, ClinGen allele CA3725621.
Genomic context (GRCh38, chr6:31,871,371, plus strand): 5'-CACACAAGAATCCAATACCAGGACTGGGCAAAATCTTCAAAGATCTTAACACTGATGTCT[C>T]GGGCATTGAGGCTGTCAATAAGACCGCTGTTGGGGAGACAGAGTCAGATGGGGCTGTGGG-3'
Protein context (NP_079533.2, residues 205-225): ISGLIDSLNA[Arg215Gln]DISVKIFEDF